The following is an entry in ClinVar:

NM_002016.2(FLG):c.3632C>A (p.Ser1211Ter)

Genes: FLG (filaggrin; minus strand), CCDST (cervical cancer associated DHX9 suppressive transcript; plus strand). Cytogenetic location: 1q21.3.
Variant type: single nucleotide variant.
Coding change: c.3632C>A on transcript NM_002016.2 (MANE Select); coding-DNA position 3632, C replaced by A.
Protein change: p.Ser1211Ter; replaces serine 1211 with a stop codon.
Molecular consequence: nonsense.
Genome position (GRCh38, 1-based): chr1:152,311,254, G>T on the plus strand (C>A on the coding strand, the complement: FLG is on the minus strand). VCF-style: chr1-152311254-G-T. GRCh37 (hg19) VCF-style: chr1-152283730-G-T.
Other names: short protein forms S1211*.
Identifiers: ClinVar variation 3769042 (VCV003769042.1).

ClinVar aggregate classification (germline): Pathogenic (1 of 4 stars; one submission).

Conditions:
Ichthyosis vulgaris. Also called: Dominant ichthyosis vulgaris; ICHTHYOSIS SIMPLEX. Identifiers: MedGen C0079584, MONDO:0024304, OMIM 146700.

gnomAD v4.1: 1 of 1,613,844 alleles (0.000062%); highest among the groups gnomAD compares: Non-Finnish European, 0.000085%; no homozygotes.

Submission:

Women's Health and Genetics/Laboratory Corporation of America, LabCorp
Classification: Pathogenic for Ichthyosis vulgaris. Last evaluated: 2025-02-14. Review status: criteria provided, single submitter. Criteria: LabCorp Variant Classification Summary - May 2015. Collection method: clinical testing. Allele origin: germline.
Comment: Variant summary: FLG c.3632C>A (p.Ser1211X) results in a premature termination codon, predicted to cause a truncation of the encoded protein or absence of the protein due to nonsense mediated decay, which are commonly known mechanisms for disease. Pathogenic variants have been observed downstream in our laboratory. The variant was absent in 251492 control chromosomes. To our knowledge, no occurrence of c.3632C>A in individuals affected with Ichthyosis Vulgaris and no experimental evidence demonstrating its impact on protein function have been reported. No submitters have cited clinical-significance assessments for this variant to ClinVar. Based on the evidence outlined above, the variant was classified as pathogenic.